The following is an entry in ClinVar:

ClinVar aggregate classification (germline): Likely benign (0 of 4 stars; one submission).

Conditions:
ENG-related disorder. Also called: ENG-related condition; ENG-related disorders.

Allele frequency attached by ClinVar (database versions not stated): gnomAD 0.00001; gnomAD exomes 0.00001; TOPMed 0.00001; ExAC 0.00003.
gnomAD v4.1: 8 of 1,577,066 alleles (0.00051%); highest among the groups gnomAD compares: Admixed American, 0.015%; no homozygotes.

Submission:

PreventionGenetics, part of Exact Sciences
Classification: Likely benign for ENG-related condition. Last evaluated: 2021-01-05. Review status: no assertion criteria provided. Collection method: clinical testing. Allele origin: germline.
Comment: This variant is classified as likely benign based on ACMG/AMP sequence variant interpretation guidelines (Richards et al. 2015 PMID: 25741868, with internal and published modifications).

NM_001114753.3(ENG):c.1852+37C>A

Gene: ENG (endoglin; minus strand). Cytogenetic location: 9q34.11.
Variant type: single nucleotide variant.
Coding change: c.1852+37C>A on transcript NM_001114753.3 (MANE Select); 37 bases into the intron after coding-DNA position 1852, C replaced by A.
Molecular consequence: intron variant. On other transcripts: 3 prime UTR variant (1).
Genome position (GRCh38, 1-based): chr9:127,815,906, G>T on the plus strand (C>A on the coding strand, the complement: ENG is on the minus strand). VCF-style: chr9-127815906-G-T. GRCh37 (hg19) VCF-style: chr9-130578185-G-T.
Other names: c.*11C>A (NM_000118.4); c.1306+37C>A (NM_001278138.2).
Identifiers: ClinVar variation 3032884 (VCV003032884.2), dbSNP rs768836999, ClinGen allele CA5252614.